The following is an entry in ClinVar:

ClinVar aggregate classification (germline): Uncertain significance (1 of 4 stars; one submission).

Conditions:
Hereditary cancer-predisposing syndrome. Also called: Neoplastic Syndromes, Hereditary; Tumor predisposition; Hereditary Cancer Syndrome; Hereditary neoplastic syndrome. Identifiers: Orphanet 140162, MedGen C0027672, MeSH D009386, MONDO:0015356.

Submission:

Ambry Genetics
Classification: Uncertain significance for Hereditary cancer-predisposing syndrome. Last evaluated: 2021-01-26. Review status: criteria provided, single submitter. Criteria: Ambry Variant Classification Scheme 2023. Collection method: clinical testing. Allele origin: germline.
Comment: The p.S264I variant (also known as c.791G>T), located in coding exon 6 of the DICER1 gene, results from a G to T substitution at nucleotide position 791. The serine at codon 264 is replaced by isoleucine, an amino acid with dissimilar properties. This amino acid position is highly conserved in available vertebrate species. In addition, this alteration is predicted to be deleterious by in silico analysis. Since supporting evidence is limited at this time, the clinical significance of this alteration remains unclear.

NM_177438.3(DICER1):c.791G>T (p.Ser264Ile)

Gene: DICER1 (dicer 1, ribonuclease III; minus strand). Cytogenetic location: 14q32.13.
Variant type: single nucleotide variant.
Coding change: c.791G>T on transcript NM_177438.3 (MANE Select); coding-DNA position 791, G replaced by T.
Protein change: p.Ser264Ile; replaces serine 264 with isoleucine.
Molecular consequence: missense variant. On other transcripts: 5 prime UTR variant (1), non-coding transcript variant (6).
Genome position (GRCh38, 1-based): chr14:95,126,692, C>A on the plus strand (G>T on the coding strand, the complement: DICER1 is on the minus strand). VCF-style: chr14-95126692-C-A. GRCh37 (hg19) VCF-style: chr14-95593029-C-A.
Other names: c.791G>T, p.Ser264Ile (NM_001195573.1, NM_001271282.3, NM_001291628.2 and 15 more transcripts); c.509G>T, p.Ser170Ile (NM_001395686.1); c.386G>T, p.Ser129Ile (NM_001395687.1, NM_001395688.1, NM_001395689.1 and 3 more transcripts); c.224G>T, p.Ser75Ile (NM_001395691.1); c.-778G>T (NM_001395697.1); short protein forms S170I, S75I, S129I, S264I.
Identifiers: ClinVar variation 1761226 (VCV001761226.2), dbSNP rs2543230628, ClinGen allele CA390887757.